The following is an entry in ClinVar:

NM_000257.4(MYH7):c.5134C>T (p.Arg1712Trp)

Genes: MHRT (myosin heavy chain associated RNA transcript; plus strand), MYH7 (myosin heavy chain 7; minus strand), LOC126861897 (BRD4-independent group 4 enhancer GRCh37_chr14:23884455-23885654; plus strand). Cytogenetic location: 14q11.2.
Variant type: single nucleotide variant.
Coding change: c.5134C>T on transcript NM_000257.4 (MANE Select); coding-DNA position 5134, C replaced by T.
Protein change: p.Arg1712Trp; replaces arginine 1712 with tryptophan.
Molecular consequence: missense variant. On other transcripts: non-coding transcript variant (1).
Genome position (GRCh38, 1-based): chr14:23,415,652, G>A on the plus strand (C>T on the coding strand, the complement: MYH7 is on the minus strand). VCF-style: chr14-23415652-G-A. GRCh37 (hg19) VCF-style: chr14-23884861-G-A.
Other names: NM_000257.4(MYH7):c.5134C>T; short protein forms R1712W.
Identifiers: ClinVar variation 14118 (VCV000014118.44), dbSNP rs121913650, ClinGen allele CA015719.

ClinVar aggregate classification (germline): Likely pathogenic. Review status: reviewed by expert panel (3 of 4 stars). 15 submissions from 14 submitters: Likely pathogenic (1). 14 of the submissions do not count toward it. Last evaluated 2021-06-16.

Conditions:
MYH7-related disorder. Also called: MYH7-related disorders; MYH7-related condition; MYH7-related disease.
Cardiovascular phenotype. Identifiers: MedGen CN230736.
Cardiomyopathy (CMYO). Also called: Cardiomyopathies. Identifiers: Orphanet 167848, MedGen C0878544, MONDO:0004994, HP:0001638. Inheritance: Various modes of inheritance.
Myopathy, myosin storage, autosomal recessive (CMYO7B). Also called: CONGENITAL MYOPATHY 7B, MYOSIN STORAGE, AUTOSOMAL RECESSIVE. Identifiers: Orphanet 636970, MedGen C1850709, MONDO:0009708, OMIM 255160.
Hypertrophic cardiomyopathy 1 (CMH1). Also called: Familial hypertrophic cardiomyopathy 1; MYH7-Related Familial Hypertrophic Cardiomyopathy. Identifiers: MedGen C3495498, MONDO:0008647, OMIM 192600.
Primary familial hypertrophic cardiomyopathy (HCM). Identifiers: Orphanet 99739, MedGen C0949658, MeSH D024741, MONDO:0024573. Inheritance: Various modes of inheritance.
Hypertrophic cardiomyopathy. Also called: HYPERTROPHIC MYOCARDIOPATHY. Identifiers: Orphanet 217569, MedGen C0007194, MeSH D002312, MONDO:0005045, HP:0001639.

Allele frequency attached by ClinVar (database versions not stated): gnomAD 0.00001 and below 0.00001; gnomAD exomes 0.00001.
gnomAD v4.1: 10 of 1,613,638 alleles (0.00062%); highest among the groups gnomAD compares: South Asian, 0.0011%; no homozygotes.

Submissions 1 to 6 of 15:

ClinGen Cardiomyopathy Variant Curation Expert Panel
Classification: Likely pathogenic for Hypertrophic cardiomyopathy. Last evaluated: 2021-06-16. Review status: reviewed by expert panel. Criteria: ClinGen CMP ACMG Specifications v1. Collection method: curation. Allele origin: germline. Inheritance: Autosomal dominant inheritance.
Comment: The c.5134C>T (p.Arg1712Trp) variant in MYH7 has been reported in the heterozygous state in at least 13 individuals with HCM, 2 of whom also had additional variants in other HCM-associated genes (PS4_Moderate; Hougs 2005 PMID:15483641; Gruner 2011 PMID:21511876; Jensen 2013 PMID:23197161; Hagen 2013 PMID:24498601; Mu 2019; Ambry pers. comm.; Centenary Institute Sydney pers. comm.; CHEO pers. comm.; GeneDx pers. comm.; Invitae pers. comm.; LMM pers. comm.; OMGL pers. comm.). This variant segregated with HCM in at least 6 affected relatives from 4 families (PP1_Moderate; Hougs 2005 PMID:15483641; Mu 2019; Ambry pers comm.; Centenary Institute Sydney pers comm.). This variant has also been identified in the homozygous state in 2 siblings from a consanguineous family with myopathy and normal cardiac function (Beecroft 2019 PMID:31130376). Data from the gnomAD population database (v2.1.1) is insufficient to assess the frequency of this variant; however, this variant is absent from the ExAC database (PM2). Computational prediction tools and conservation analysis suggest that this variant may impact the protein (PP3). In summary, this variant meets criteria to be classified as likely pathogenic for hypertrophic cardiomyopathy in an autosomal dominant manner. ACMG/AMP Criteria applied: PS4_Moderate; PP1_Moderate; PM2; PP3.

PreventionGenetics, part of Exact Sciences
Classification: Likely pathogenic for MYH7-related condition. Last evaluated: 2026-05-05. Review status: criteria provided, single submitter. Criteria: ACMG Guidelines, 2015. Collection method: clinical testing. Allele origin: germline. Not counted in ClinVar's aggregate classification.
Comment: The MYH7 c.5134C>T variant is predicted to result in the amino acid substitution p.Arg1712Trp. This variant was reported to segregate in families and other unrelated individuals with hypertrophic cardiomyopathy (Hougs et al. 2005. PubMed ID: 15483641; Supp. Table 1 in Ho et al. 2018. PubMed ID: 30297972; Hagen et al. 2013. PubMed ID: 24498601; Supp. Table 2 in Burns et al. 2017. PubMed ID: 28790153). This variant was also reported in the homozygous state in two siblings with features of a congenital myopathy (Beecroft et al. 2019. PubMed ID: 31130376). This variant has not been reported in a large population database (gnomAD), indicating this variant is rare. This variant has also been reported as likely pathogenic by the ClinGen Cardiomyopathy Variant Curation Expert Panel (Variant ID: 14118). This variant is interpreted as likely pathogenic.

Labcorp Genetics (formerly Invitae), Labcorp
Classification: Pathogenic for Hypertrophic cardiomyopathy. Last evaluated: 2025-12-03. Review status: criteria provided, single submitter. Criteria: Invitae Variant Classification Sherloc (09022015). Collection method: clinical testing. Allele origin: germline. Not counted in ClinVar's aggregate classification.
Comment: This sequence change replaces arginine, which is basic and polar, with tryptophan, which is neutral and slightly polar, at codon 1712 of the MYH7 protein (p.Arg1712Trp). This variant is not present in population databases (gnomAD no frequency). This missense change has been observed in individuals with hypertrophic cardiomyopathy (PMID: 15483641; internal data). It has also been observed to segregate with disease in related individuals. ClinVar contains an entry for this variant (Variation ID: 14118). Invitae Evidence Modeling of protein sequence and biophysical properties (such as structural, functional, and spatial information, amino acid conservation, physicochemical variation, residue mobility, and thermodynamic stability) indicates that this missense variant is expected to disrupt MYH7 protein function with a positive predictive value of 95%. This variant disrupts the p.Arg1712 amino acid residue in MYH7. Other variant(s) that disrupt this residue have been determined to be pathogenic (PMID: 18403758, 21511876, 23785128, 24510615, 27247418, 27532257). This suggests that this residue is clinically significant, and that variants that disrupt this residue are likely to be disease-causing. For these reasons, this variant has been classified as Pathogenic.

Color Diagnostics, LLC DBA Color Health
Classification: Likely pathogenic for Cardiomyopathy. Last evaluated: 2025-11-24. Review status: criteria provided, single submitter. Criteria: ACMG Guidelines, 2015. Collection method: clinical testing. Allele origin: germline. Not counted in ClinVar's aggregate classification.
Comment: This missense variant replaces arginine with tryptophan at codon 1712 of the MYH7 protein. Computational prediction suggests that this variant may have deleterious impact on protein structure and function. To our knowledge, functional studies have not been reported for this variant. This variant has been reported in individuals affected with hypertrophic cardiomyopathy (PMID: 15483641, 23197161, 24498601, 25892673, 28790153, 30297972, 32894683). Some of these individuals also carried a mitochondrial variant in the MT-CYB gene (PMID: 24498601). It has been shown that this variant segregates with disease in multiple affected individuals across two families (PMID: 24498601, doi:10.19193/0393-6384_2019_5_383). This variant has also been reported in homozygous state in two siblings affected with recessive myopathy with no cardiac involvementboth heterozygous parents were unaffected (PMID: 31130376). A different variant occurring at the same codon, p.Arg1712Gln, is a well documented pathogenic mutation (Clinvar variation ID: 36642), indicating that arginine at this position is important for MYH7 protein function. This variant has not been identified in the general population by the Genome Aggregation Database (gnomAD). Based on the available evidence, this variant is classified as Likely Pathogenic. This variant has been identified in 10/1613638 chromosomes in the general population by the Genome Aggregation Database (gnomAD). Based on the available evidence, this variant is classified as Likely Pathogenic.

Ambry Genetics
Classification: Likely pathogenic for Cardiovascular phenotype. Last evaluated: 2025-10-30. Review status: criteria provided, single submitter. Criteria: Ambry Variant Classification Scheme 2023. Collection method: clinical testing. Allele origin: germline. Not counted in ClinVar's aggregate classification.
Comment: The c.5134C>T (p.R1712W) alteration is located in exon 35 (coding exon 33) of the MYH7 gene. This alteration results from a C to T substitution at nucleotide position 5134, causing the arginine (R) at amino acid position 1712 to be replaced by a tryptophan (W). or MYH7-related cardiomyopathy; however, its clinical significance for MYH7-related skeletal myopathy is uncertain. The Genome Aggregation Database (gnomAD) data for this variant is unreliable due to technical and/or biological issues; therefore, population frequency estimates were not considered. This alteration has been detected in several hypertrophic cardiomyopathy (HCM) cohorts and individuals reported to have HCM (Hougs, 2005; Glotov, 2015; Burns, 2017; Ho, 2018; Ambry internal data). In one family, both this alteration and an alteration in MT-CYB (p.C93Y) were observed to segregate with disease (Hagen, 2013). This alteration has also been reported in the homozygous state in siblings with myopathy (Beecroft, 2019). Another variant impacting this codon (p.R1712Q) has also been reported in association with HCM (Morita, 2008). This amino acid position is highly conserved in available vertebrate species. This alteration is predicted to be deleterious by in silico analysis. Based on the available evidence, this alteration is classified as likely pathogenic.

GeneDx
Classification: Likely pathogenic. Last evaluated: 2025-06-03. Review status: criteria provided, single submitter. Criteria: GeneDx Variant Classification Process June 2021. Collection method: clinical testing. Allele origin: germline. Affected: yes. Not counted in ClinVar's aggregate classification.
Comment: Not observed at significant frequency in large population cohorts (gnomAD); In silico analysis suggests this variant may impact gene splicing. In the absence of RNA/functional studies, the actual effect of this sequence change is unknown.; In silico analyses support that this missense variant has a deleterious effect on protein structure/function and suggest this variant may impact gene splicing; in the absence of RNA/functional studies, the actual effect of this sequence change is unknown; This variant is associated with the following publications: (PMID: 24498601, 23197161, 19035361, 25961035, 15483641, 32710294, 34691145, 36243179, 36264615, 32894683, Mu_2019_article, 21511876, 37652022, 36964972, 31130376)